The following is an entry in ClinVar:

NM_015311.3(OBSL1):c.808_811dup (p.Gly271fs)

Gene: OBSL1 (obscurin like cytoskeletal adaptor 1; minus strand). Cytogenetic location: 2q35.
Variant type: Duplication.
Coding change: c.808_811dup on transcript NM_015311.3 (MANE Select); coding-DNA positions 808 to 811, 4 bases duplicated (ATGG; older notation c.808_811dupATGG).
Protein change: p.Gly271fs; shifts the reading frame from glycine 271.
Molecular consequence: frameshift variant.
Genome position (GRCh38, 1-based): chr2:219,570,422-219,570,425, CCAT duplicated on the plus strand (ATGG on the coding strand, the reverse complement: OBSL1 is on the minus strand); duplicating any 4 consecutive bases within chr2:219,570,422-219,570,426 gives the same sequence; the c. name uses the placement nearest the transcript's 3' end. VCF-style (leftmost placement, unchanged base first): chr2-219570421-C-CCCAT. GRCh37 (hg19) VCF-style: chr2-220435143-C-CCCAT.
Other names: c.808_811dup, p.Gly271fs (NM_001173408.2, NM_001173431.2); c.811_812insATGG (NM_015311.3); short protein forms G271fs.
Identifiers: ClinVar variation 4056311 (VCV004056311.1).

ClinVar aggregate classification (germline): Likely pathogenic (1 of 4 stars; one submission).

Conditions:
3M syndrome 2. Also called: 3-M Syndrome, OBSL1-Related; THREE M SYNDROME 2. Identifiers: Orphanet 2616, MedGen C2752041, MONDO:0013039, OMIM 612921.

Submission:

Department of Medical Genetics, Sanjay Gandhi Post Graduate Institute of Medical Sciences
Classification: Likely pathogenic for 3M syndrome 2. Last evaluated: 2023-07-06. Review status: criteria provided, single submitter. Criteria: ACMG Guidelines, 2015. Collection method: research. Allele origin: germline. Inheritance: Autosomal recessive inheritance. Affected: yes. Observed: 1 compound heterozygote.
Comment: This is a novel variant found in the heterozygous state. It involves the insertion of 4 base pairs at position c.811_812insATGG, resulting in a predicted amino acid change: p.Gly271Aspfs*85. No functional studies have been reported for this variant so far. Based on ACMG guidelines, this variant is classified as likely pathogenic with the following criteria: PVS1 and PM2. It is associated with 3M syndrome-2 (3M2).